The following is an entry in ClinVar:

NM_002878.4(RAD51D):c.285T>A (p.Ala95=)

Genes: RAD51D (RAD51 paralog D; minus strand), RAD51L3-RFFL (RAD51L3-RFFL readthrough; minus strand). Cytogenetic location: 17q12.
Variant type: single nucleotide variant.
Coding change: c.285T>A on transcript NM_002878.4 (MANE Select); coding-DNA position 285, T replaced by A.
Protein change: p.Ala95=; no amino-acid change (alanine 95 retained).
Molecular consequence: synonymous variant. On other transcripts: non-coding transcript variant (2), intron variant (1).
Genome position (GRCh38, 1-based): chr17:35,107,426, A>T on the plus strand (T>A on the coding strand, the complement: RAD51D is on the minus strand). VCF-style: chr17-35107426-A-T. GRCh37 (hg19) VCF-style: chr17-33434445-A-T.
Other names: c.345T>A, p.Ala115= (NM_001142571.2); c.145-945T>A (NM_133629.3).
Identifiers: ClinVar variation 821913 (VCV000821913.12), dbSNP rs113147933, ClinGen allele CA499731906.

ClinVar aggregate classification (germline): Conflicting classifications of pathogenicity. Review status: criteria provided, conflicting classifications (1 of 4 stars). 2 submissions from 2 submitters: Uncertain significance (1); Likely benign (1). Last evaluated 2021-03-17.

Conditions:
Hereditary cancer-predisposing syndrome. Also called: Tumor predisposition; Hereditary Cancer Syndrome; Neoplastic Syndromes, Hereditary; Hereditary neoplastic syndrome. Identifiers: Orphanet 140162, MedGen C0027672, MeSH D009386, MONDO:0015356.
Breast-ovarian cancer, familial, susceptibility to, 4. Identifiers: Orphanet 145, MedGen C3280345, MONDO:0013669, OMIM 614291.

Submissions (2):

Labcorp Genetics (formerly Invitae), Labcorp
Classification: Uncertain significance for Breast-ovarian cancer, familial, susceptibility to, 4. Last evaluated: 2021-03-17. Review status: criteria provided, single submitter. Criteria: Invitae Variant Classification Sherloc (09022015). Collection method: clinical testing. Allele origin: germline.
Comment: In summary, the available evidence is currently insufficient to determine the role of this variant in disease. Therefore, it has been classified as a Variant of Uncertain Significance. Algorithms developed to predict the effect of sequence changes on RNA splicing suggest that this variant may create or strengthen a splice site, but this prediction has not been confirmed by published transcriptional studies. This variant has not been reported in the literature in individuals with RAD51D-related conditions. ClinVar contains an entry for this variant (Variation ID: 821913). This variant is not present in population databases (ExAC no frequency). This sequence change affects codon 95 of the RAD51D mRNA. It is a 'silent' change, meaning that it does not change the encoded amino acid sequence of the RAD51D protein.

Ambry Genetics
Classification: Likely benign for Hereditary cancer-predisposing syndrome. Last evaluated: 2018-10-03. Review status: criteria provided, single submitter. Criteria: Ambry Variant Classification Scheme 2023. Collection method: clinical testing. Allele origin: germline.